The following is an entry in ClinVar:

ClinVar aggregate classification (germline): Uncertain significance. Review status: criteria provided, multiple submitters, no conflicts (2 of 4 stars). 2 submissions from 2 submitters: Uncertain significance (2). Last evaluated 2024-11-19.

Conditions:
Inborn genetic diseases. Identifiers: MedGen C0950123, MeSH D030342.
TP63-Related Spectrum Disorders.

gnomAD v4.1: 4 of 1,614,094 alleles (0.00025%); highest among the groups gnomAD compares: Admixed American, 0.0017%; no homozygotes.

Submissions (2):

Labcorp Genetics (formerly Invitae), Labcorp
Classification: Uncertain significance. Last evaluated: 2024-11-19. Review status: criteria provided, single submitter. Criteria: Invitae Variant Classification Sherloc (09022015). Collection method: clinical testing. Allele origin: germline.
Comment: This sequence change replaces threonine, which is neutral and polar, with methionine, which is neutral and non-polar, at codon 144 of the TP63 protein (p.Thr144Met). The frequency data for this variant in the population databases is considered unreliable, as metrics indicate poor data quality at this position in the gnomAD database. This variant has not been reported in the literature in individuals affected with TP63-related conditions. Invitae Evidence Modeling of protein sequence and biophysical properties (such as structural, functional, and spatial information, amino acid conservation, physicochemical variation, residue mobility, and thermodynamic stability) indicates that this missense variant is not expected to disrupt TP63 protein function with a negative predictive value of 80%. In summary, the available evidence is currently insufficient to determine the role of this variant in disease. Therefore, it has been classified as a Variant of Uncertain Significance.

Ambry Genetics
Classification: Uncertain significance for Inborn genetic diseases. Last evaluated: 2024-04-09. Review status: criteria provided, single submitter. Criteria: Ambry Variant Classification Scheme 2023. Collection method: clinical testing. Allele origin: germline.

NM_003722.5(TP63):c.431C>T (p.Thr144Met)

Gene: TP63 (tumor protein p63; plus strand). Cytogenetic location: 3q28.
Variant type: single nucleotide variant.
Coding change: c.431C>T on transcript NM_003722.5 (MANE Select); coding-DNA position 431, C replaced by T.
Protein change: p.Thr144Met; replaces threonine 144 with methionine.
Molecular consequence: missense variant. On other transcripts: intron variant (2).
Genome position (GRCh38, 1-based): chr3:189,808,378, C>T. VCF-style: chr3-189808378-C-T. GRCh37 (hg19) VCF-style: chr3-189526167-C-T.
Other names: c.431C>T, p.Thr144Met (NM_001114978.2, NM_001114979.2, NM_001329144.2 and 1 more transcripts); c.149C>T, p.Thr50Met (NM_001114980.2, NM_001114981.2, NM_001114982.2 and 2 more transcripts); c.425C>T, p.Thr142Met (NM_001329964.2); c.42+18536C>T (NM_001329146.2, NM_001329150.2); short protein forms T142M, T50M, T144M.
Identifiers: ClinVar variation 3328236 (VCV003328236.2).